The following is an entry in ClinVar:

ClinVar aggregate classification (germline): Benign/Likely benign. Review status: criteria provided, multiple submitters, no conflicts (2 of 4 stars). 9 submissions from 9 submitters: Benign (2); Likely benign (5). 2 of the submissions do not count toward it. Last evaluated 2026-01-27.

Conditions:
Hereditary cancer-predisposing syndrome. Also called: Tumor predisposition; Hereditary Cancer Syndrome; Hereditary neoplastic syndrome; Neoplastic Syndromes, Hereditary. Identifiers: Orphanet 140162, MedGen C0027672, MeSH D009386, MONDO:0015356.
Oligodontia-cancer predisposition syndrome. Also called: TOOTH AGENESIS-COLORECTAL CANCER SYNDROME. Identifiers: Orphanet 300576, MedGen C1837750, MONDO:0012075, OMIM 608615. Disease mechanism: loss of function.

Allele frequency attached by ClinVar (database versions not stated): gnomAD 0.00003; TOPMed 0.00003; gnomAD exomes 0.00004 and 0.00006; ExAC 0.00012.
gnomAD v4.1: 68 of 1,614,012 alleles (0.0042%); highest among the groups gnomAD compares: Non-Finnish European, 0.0053%; no homozygotes.

Submissions (9):

Labcorp Genetics (formerly Invitae), Labcorp
Classification: Likely benign for Oligodontia-cancer predisposition syndrome. Last evaluated: 2026-01-27. Review status: criteria provided, single submitter. Criteria: Invitae Variant Classification Sherloc (09022015). Collection method: clinical testing. Allele origin: germline.

Center for Genomic Medicine, Rigshospitalet, Copenhagen University Hospital
Classification: Likely benign. Last evaluated: 2025-03-04. Review status: criteria provided, single submitter. Criteria: ACMG Guidelines, 2015. Collection method: clinical testing. Allele origin: germline.

CeGaT Center for Human Genetics Tuebingen
Classification: Likely benign. Last evaluated: 2024-08-01. Review status: criteria provided, single submitter. Criteria: CeGaT Center For Human Genetics Tuebingen Variant Classification Criteria Version 2. Collection method: clinical testing. Allele origin: germline. Affected: yes. Observed: 1 variant allele.
Comment: AXIN2: BP4, BP7

Myriad Genetics, Inc.
Classification: Benign for Oligodontia-cancer predisposition syndrome. Last evaluated: 2024-06-27. Review status: criteria provided, single submitter. Criteria: Myriad Autosomal Dominant, Autosomal Recessive and X-Linked Classification Criteria (2023). Collection method: clinical testing. Allele origin: unknown.
Comment: This variant is considered benign. This variant is a silent/synonymous amino acid change and it is not expected to impact splicing.

Ambry Genetics
Classification: Likely benign for Hereditary cancer-predisposing syndrome. Last evaluated: 2018-11-30. Review status: criteria provided, single submitter. Criteria: Ambry Variant Classification Scheme 2023. Collection method: clinical testing. Allele origin: germline.

GeneDx
Classification: Likely benign. Last evaluated: 2018-11-16. Review status: criteria provided, single submitter. Criteria: GeneDx Variant Classification Process June 2021. Collection method: clinical testing. Allele origin: germline. Affected: yes.

Illumina Laboratory Services, Illumina
Classification: Benign for Oligodontia-cancer predisposition syndrome. Last evaluated: 2018-01-13. Review status: criteria provided, single submitter. Criteria: ICSL Variant Classification Criteria 13 December 2019. Collection method: clinical testing. Allele origin: germline.
Comment: This variant was observed in the ICSL laboratory as part of a predisposition screen in an ostensibly healthy population. It had not been previously curated by ICSL or reported in the Human Gene Mutation Database (HGMD: prior to June 1st, 2018), and was therefore a candidate for classification through an automated scoring system. Utilizing variant allele frequency, disease prevalence and penetrance estimates, and inheritance mode, an automated score was calculated to assess if this variant is too frequent to cause the disease. Based on the score and internal cut-off values, a variant classified as benign is not then subjected to further curation. The score for this variant resulted in a classification of benign for this disease.

Diagnostic Laboratory, Department of Genetics, University Medical Center Groningen
Classification: Likely benign. Review status: no assertion criteria provided. Collection method: clinical testing. Allele origin: germline. Affected: yes. Study: VKGL Data-share Consensus. Not counted in ClinVar's aggregate classification.

Genome Diagnostics Laboratory, Amsterdam University Medical Center
Classification: Likely benign. Review status: no assertion criteria provided. Collection method: clinical testing. Allele origin: germline. Affected: yes. Study: VKGL Data-share Consensus. Not counted in ClinVar's aggregate classification.

NM_004655.4(AXIN2):c.645C>T (p.Leu215=)

Gene: AXIN2 (axin 2; minus strand). Cytogenetic location: 17q24.1.
Variant type: single nucleotide variant.
Coding change: c.645C>T on transcript NM_004655.4 (MANE Select); coding-DNA position 645, C replaced by T.
Protein change: p.Leu215=; no amino-acid change (leucine 215 retained).
Molecular consequence: synonymous variant.
Genome position (GRCh38, 1-based): chr17:65,557,976, G>A on the plus strand (C>T on the coding strand, the complement: AXIN2 is on the minus strand). VCF-style: chr17-65557976-G-A. GRCh37 (hg19) VCF-style: chr17-63554094-G-A.
Other names: c.645C>T (LRG_296t1); c.645C>T, p.Leu215= (NM_001363813.1).
Identifiers: ClinVar variation 377542 (VCV000377542.44), dbSNP rs767834824, ClinGen allele CA8719015.
Genomic context (GRCh38, chr17:65,557,976, plus strand): 5'-AGTCCACTCCTCTTCTTCATTCAAGGTGGGGAGATAGCCACACACGACCTTTAGGCTCCC[G>A]AGTCCCCCATTACTCATGTAAGCTGTGTTTTCTCCCCCACTCCTCACATATTCGAGGTAT-3'
Protein context (NP_004646.3, residues 205-225): ENTAYMSNGG[Leu215=]GSLKVVCGYL